The following is an entry in ClinVar:

NM_000062.3(SERPING1):c.508T>C (p.Ser170Pro)

Gene: SERPING1 (serpin family G member 1; plus strand). Cytogenetic location: 11q12.1.
Variant type: single nucleotide variant.
Coding change: c.508T>C on transcript NM_000062.3 (MANE Select); coding-DNA position 508, T replaced by C.
Protein change: p.Ser170Pro; replaces serine 170 with proline.
Molecular consequence: missense variant.
Genome position (GRCh38, 1-based): chr11:57,600,335, T>C. VCF-style: chr11-57600335-T-C. GRCh37 (hg19) VCF-style: chr11-57367808-T-C.
Other names: c.508T>C, p.Ser170Pro (NM_001032295.2); short protein forms S170P.
Identifiers: ClinVar variation 3721029 (VCV003721029.2).

ClinVar aggregate classification (germline): Pathogenic (1 of 4 stars; one submission).

Submission:

Labcorp Genetics (formerly Invitae), Labcorp
Classification: Pathogenic. Last evaluated: 2024-04-02. Review status: criteria provided, single submitter. Criteria: Invitae Variant Classification Sherloc (09022015). Collection method: clinical testing. Allele origin: germline.
Comment: This sequence change replaces serine, which is neutral and polar, with proline, which is neutral and non-polar, at codon 170 of the SERPING1 protein (p.Ser170Pro). This variant is not present in population databases (gnomAD no frequency). This missense change has been observed in individual(s) with angioedema (PMID: 11112899, 35821062). In at least one individual the variant was observed to be de novo. This variant is also known as 2652T>C (Ser148Pro). Advanced modeling of protein sequence and biophysical properties (such as structural, functional, and spatial information, amino acid conservation, physicochemical variation, residue mobility, and thermodynamic stability) performed at Invitae indicates that this missense variant is expected to disrupt SERPING1 protein function with a positive predictive value of 80%. Experimental studies have shown that this missense change affects SERPING1 function (PMID: 30398465). For these reasons, this variant has been classified as Pathogenic.

Literature cited by the submitters: PubMed 11112899; PubMed 35821062; PubMed 30398465.